The following is an entry in ClinVar:

ClinVar aggregate classification (germline): Uncertain significance (1 of 4 stars; one submission).

Conditions:
Emery-Dreifuss muscular dystrophy 4, autosomal dominant (EDMD4). Also called: EMERY-DREIFUSS MUSCULAR DYSTROPHY 4 WITH VARIABLE FEATURES. Identifiers: Orphanet 261, MedGen C2751807, MONDO:0013071, OMIM 612998.
Autosomal recessive ataxia, Beauce type. Also called: SYNE1 Deficiency; Spinocerebellar ataxia, autosomal recessive 8; ATAXIA, RECESSIVE, OF BEAUCE; SYNE1-Related Autosomal Recessive Cerebellar Ataxia. Identifiers: Orphanet 88644, MedGen C1853116, MONDO:0012549, OMIM 610743.

Submission:

Labcorp Genetics (formerly Invitae), Labcorp
Classification: Uncertain significance for Emery-Dreifuss muscular dystrophy 4, autosomal dominant; Autosomal recessive ataxia, Beauce type. Last evaluated: 2021-12-29. Review status: criteria provided, single submitter. Criteria: Invitae Variant Classification Sherloc (09022015). Collection method: clinical testing. Allele origin: germline.
Comment: Algorithms developed to predict the effect of missense changes on protein structure and function are either unavailable or do not agree on the potential impact of this missense change (SIFT: "Deleterious"; PolyPhen-2: "Probably Damaging"; Align-GVGD: "Class C0"). This variant has not been reported in the literature in individuals affected with SYNE1-related conditions. This variant is not present in population databases (gnomAD no frequency). This sequence change replaces arginine, which is basic and polar, with glycine, which is neutral and non-polar, at codon 398 of the SYNE1 protein (p.Arg398Gly). In summary, the available evidence is currently insufficient to determine the role of this variant in disease. Therefore, it has been classified as a Variant of Uncertain Significance.

NM_182961.4(SYNE1):c.1171A>G (p.Arg391Gly)

Gene: SYNE1 (spectrin repeat containing nuclear envelope protein 1; minus strand). Cytogenetic location: 6q25.2.
Variant type: single nucleotide variant.
Coding change: c.1171A>G on transcript NM_182961.4 (MANE Select); coding-DNA position 1171, A replaced by G.
Protein change: p.Arg391Gly; replaces arginine 391 with glycine.
Molecular consequence: missense variant.
Genome position (GRCh38, 1-based): chr6:152,484,849, T>C on the plus strand (A>G on the coding strand, the complement: SYNE1 is on the minus strand). VCF-style: chr6-152484849-T-C. GRCh37 (hg19) VCF-style: chr6-152805984-T-C.
Other names: c.1192A>G, p.Arg398Gly (NM_033071.5); short protein forms R398G, R391G.
Identifiers: ClinVar variation 2065692 (VCV002065692.4), dbSNP rs2505832456, ClinGen allele CA366141427.
Genomic context (GRCh38, chr6:152,484,849, plus strand): 5'-TTCTAAATTTATTAAGCTCAGTATAACTAATTGTGGGAGAACTTACCCTGGAGGTCACTC[T>C]ATCCCAAGATTGTTTTACCAATGCTTGGTCAAGTGACAATTTACCGTCTCTGTGTAATGG-3'
Protein context (NP_892006.3, residues 381-401): DQALVKQSWD[Arg391Gly]VTSRLFDWHI